The following is an entry in ClinVar:

NM_000552.5(VWF):c.3940G>C (p.Val1314Leu)

Gene: VWF (von Willebrand factor; minus strand). Cytogenetic location: 12p13.31.
Variant type: single nucleotide variant.
Coding change: c.3940G>C on transcript NM_000552.5 (MANE Select); coding-DNA position 3940, G replaced by C.
Protein change: p.Val1314Leu; replaces valine 1314 with leucine.
Molecular consequence: missense variant.
Genome position (GRCh38, 1-based): chr12:6,019,478, C>G on the plus strand (G>C on the coding strand, the complement: VWF is on the minus strand). VCF-style: chr12-6019478-C-G. GRCh37 (hg19) VCF-style: chr12-6128644-C-G.
Other names: NM_000552.5(VWF):c.3940G>C; short protein forms V1314L.
Identifiers: ClinVar variation 302 (VCV000000302.2), dbSNP rs61749393, ClinGen allele CA114151.

ClinVar aggregate classification (germline): Pathogenic. Review status: reviewed by expert panel (3 of 4 stars). 3 submissions from 3 submitters: Pathogenic (1). 2 of the submissions do not count toward it. Last evaluated 2024-08-12.

Conditions:
Von Willebrand disease type 2B. Identifiers: Orphanet 166087, MedGen C1282971, MONDO:0015629.

Submissions (3):

ClinGen von Willebrand Disease Variant Curation Expert Panel, ClinGen
Classification: Pathogenic for Von Willebrand disease type 2B. Last evaluated: 2024-08-12. Review status: reviewed by expert panel. Criteria: ClinGen VWD 2A B M Rules. Collection method: curation. Allele origin: germline. Inheritance: Autosomal dominant inheritance.
Comment: The NM_000552.5(VWF):c.3940G>C (p.Val1314Leu) missense variant has been reported in at least 3 probands with VWD 2B phenotypes (PS4_moderate; PMIDs: 1419803, 27215777, ISTH 2015 Congress Poster). At least one proband displayed excessive mucocutaneous bleeding as well as a laboratory phenotypes of loss of high molecular weight multimers and an increased response to LD-RIPA showing gain of function, which together are highly specific for VWD type 2B (PP4_moderate; PMID: 1419803). The variant was identified as a de novo occurrence in this patient (PS2_Moderate; PMIDs: 1419803). This variant is absent from gnomAD v4.1 (PM2_Supporting). A Platelet binding assay performed with the Val1314Leu recombinant mutant vWF expressed by COS-7 showed increased binding in the absence of, or at low doses, of ristocetin, indicating that this variant has a gain of function effect on the protein (PMID: 8630394; PS3). In summary, the variant meets the criteria to be classified as Likely Pathogenic for von Willebrand disease type 2B based on the ACMG/AMP criteria applied, as specified by the ClinGen VWD VCEP: PS3, PS4_moderate, PS2_Moderate, PP4_moderate, and PM2_supporting.

OMIM
Classification: Pathogenic for VON WILLEBRAND DISEASE, TYPE 2B. Last evaluated: 2010-05-01. Review status: no assertion criteria provided. Collection method: literature only. Allele origin: germline. Not counted in ClinVar's aggregate classification.

Academic Unit of Haematology, University of Sheffield
No classification provided. Review status: no classification provided. Collection method: not provided. Allele origin: not provided. Not counted in ClinVar's aggregate classification.

Literature cited by the submitters: PubMed 20409624 (cited by OMIM); PubMed 1419803 (cited by OMIM).